The following is an entry in ClinVar:

ClinVar aggregate classification (germline): Benign. Review status: criteria provided, multiple submitters, no conflicts (2 of 4 stars). 3 submissions from 3 submitters: Benign (2). 1 of the submissions does not count toward it. Last evaluated 2026-01-07.

Conditions:
ANK3-related disorder. Also called: ANK3-related condition.

Allele frequency attached by ClinVar (database versions not stated): TOPMed 0.01648; ESP Exome Variant Server 0.01845; 1000 Genomes Project 30x 0.01952; gnomAD 0.01475; 1000 Genomes Project 0.01797.
gnomAD v4.1: 4,483 of 1,606,208 alleles (0.28%); highest among the groups gnomAD compares: African/African-American, 5.3%; 126 homozygotes.

Submissions (3):

Labcorp Genetics (formerly Invitae), Labcorp
Classification: Benign. Last evaluated: 2026-01-07. Review status: criteria provided, single submitter. Criteria: Invitae Variant Classification Sherloc (09022015). Collection method: clinical testing. Allele origin: germline.

Breakthrough Genomics
Classification: Benign. Review status: criteria provided, single submitter. Criteria: ACMG Guidelines, 2015. Collection method: not provided. Allele origin: germline. Inheritance: Autosomal recessive inheritance. Affected: yes.

PreventionGenetics, part of Exact Sciences
Classification: Benign for ANK3-related condition. Last evaluated: 2022-01-31. Review status: no assertion criteria provided. Collection method: clinical testing. Allele origin: germline. Not counted in ClinVar's aggregate classification.
Comment: This variant is classified as benign based on ACMG/AMP sequence variant interpretation guidelines (Richards et al. 2015 PMID: 25741868, with internal and published modifications).

NM_020987.5(ANK3):c.2382+6C>A

Gene: ANK3 (ankyrin 3; minus strand). Cytogenetic location: 10q21.2.
Variant type: single nucleotide variant.
Coding change: c.2382+6C>A on transcript NM_020987.5 (MANE Select); 6 bases into the intron after coding-DNA position 2382, C replaced by A.
Molecular consequence: intron variant.
Genome position (GRCh38, 1-based): chr10:60,172,894, G>T on the plus strand (C>A on the coding strand, the complement: ANK3 is on the minus strand). VCF-style: chr10-60172894-G-T. GRCh37 (hg19) VCF-style: chr10-61932652-G-T.
Other names: c.2364+6C>A (NM_001204403.2); c.2331+6C>A (NM_001204404.2); c.2382+6C>A (NM_001320874.2).
Identifiers: ClinVar variation 787076 (VCV000787076.13), dbSNP rs114581617, ClinGen allele CA5512841.